The following is an entry in ClinVar:

NM_013328.4(PYCR2):c.138+1G>T

Gene: PYCR2 (pyrroline-5-carboxylate reductase 2; minus strand). Cytogenetic location: 1q42.12.
Variant type: single nucleotide variant.
Coding change: c.138+1G>T on transcript NM_013328.4 (MANE Select); the canonical splice donor site of the intron after coding-DNA position 138, G replaced by T.
Molecular consequence: splice donor variant.
Genome position (GRCh38, 1-based): chr1:225,923,700, C>A on the plus strand (G>T on the coding strand, the complement: PYCR2 is on the minus strand). VCF-style: chr1-225923700-C-A. GRCh37 (hg19) VCF-style: chr1-226111400-C-A.
Other names: c.138+1G>T (NM_001271681.2).
Identifiers: ClinVar variation 545033 (VCV000545033.3), dbSNP rs1473859981, ClinGen allele CA345008303.
Genomic context (GRCh38, chr1:225,923,700, plus strand): 5'-ATCTCAGGTCATCCTTTTCCTGGGCCTCCACCCGCTTCCCACTCCGCCCGGCTCCACCTA[C>A]CCTGAGCGCGGACACCGTGGGCAGGTTCATTTCTGGGGAGCTGGCTATTATCTTGTGAGC-3'

ClinVar aggregate classification (germline): Likely pathogenic. Review status: criteria provided, single submitter (1 of 4 stars). 2 submissions from 2 submitters: Likely pathogenic (1). 1 of the submissions does not count toward it. Last evaluated 2024-02-19.

Conditions:
Leukodystrophy, hypomyelinating, 10. Also called: PYCR2-related microcephaly-progressive leukoencephalopathy. Identifiers: Orphanet 481152, MedGen C4225332, MONDO:0014632, OMIM 616420.

Allele frequency attached by ClinVar (database versions not stated): gnomAD exomes below 0.00001.

Submissions (2):

Women's Health and Genetics/Laboratory Corporation of America, LabCorp
Classification: Likely pathogenic for Leukodystrophy, hypomyelinating, 10. Last evaluated: 2024-02-19. Review status: criteria provided, single submitter. Criteria: LabCorp Variant Classification Summary - May 2015. Collection method: clinical testing. Allele origin: germline.
Comment: Variant summary: PYCR2 c.138+1G>T is located in a canonical splice-site and is predicted to affect mRNA splicing resulting in a significantly altered protein due to either exon skipping, shortening, or inclusion of intronic material. Several computational tools predict a significant impact on normal splicing: Four predict the variant abolishes a canonical 5' splicing donor site. However, these predictions have yet to be confirmed by functional studies. The variant allele was found at a frequency of 4e-06 in 251144 control chromosomes (gnomAD). c.138+1G>T has been reported in the literature in at-least one individual affected with developmental delay, chorea, failure to thrive, and hypertonia (example: Bick_2017). To our knowledge, no experimental evidence demonstrating an impact on protein function has been reported. The following publication has been ascertained in the context of this evaluation (PMID: 28496993). ClinVar contains an entry for this variant (Variation ID: 545033). Based on the evidence outlined above, the variant was classified as likely pathogenic.

Laboratory of Molecular Genetics (Pr. Bezieau's lab), CHU de Nantes
Classification: Pathogenic. Last evaluated: 2016-06-28. Review status: no assertion criteria provided. Collection method: clinical testing. Allele origin: germline. Affected: yes. Not counted in ClinVar's aggregate classification.

Literature cited by the submitters: PubMed 28496993 (cited by Women's Health and Genetics/Laboratory Corporation of America, LabCorp).